The following is an entry in ClinVar:

NM_018026.4(PACS1):c.104AGC[9] (p.Gln38_Gln40dup)

Gene: PACS1 (phosphofurin acidic cluster sorting protein 1; plus strand). Cytogenetic location: 11q13.1.
Variant type: Microsatellite.
Coding change: c.104AGC[9] on transcript NM_018026.4 (MANE Select); nine copies in a row of the 3-base unit AGC starting at c.104; the reference has six copies in a row; three copies, 9 bases duplicated; also written c.113_121dup.
Protein change: p.Gln38_Gln40dup.
Molecular consequence: inframe insertion.
Genome position (GRCh38, 1-based): chr11:66,070,599-66,070,607, AGCAGCAGC duplicated; duplicating any 9 consecutive bases within chr11:66,070,588-66,070,607 gives the same sequence; the position shown is the placement nearest the transcript's 3' end. VCF-style (leftmost placement, unchanged base first): chr11-66070587-C-CGCAGCAGCA. GRCh37 (hg19) VCF-style: chr11-65838058-C-CGCAGCAGCA.
Other names: c.113_121dupAGCAGCAGC (NM_018026.2); c.113_121dup (NM_018026.4).
Identifiers: ClinVar variation 1184327 (VCV001184327.4), dbSNP rs749515977, ClinGen allele CA600239380.

ClinVar aggregate classification (germline): Conflicting classifications of pathogenicity. Review status: criteria provided, conflicting classifications (1 of 4 stars). 3 submissions from 3 submitters: Uncertain significance (1); Likely benign (2). Last evaluated 2024-09-11.

Conditions:
Schuurs-Hoeijmakers syndrome. Also called: PACS1-Related Neurodevelopmental Disorder. Identifiers: Orphanet 329224, MedGen C3554343, MONDO:0014006, OMIM 615009.
Inborn genetic diseases. Identifiers: MedGen C0950123, MeSH D030342.

Submissions (3):

Ambry Genetics
Classification: Likely benign for Inborn genetic diseases. Last evaluated: 2024-09-11. Review status: criteria provided, single submitter. Criteria: Ambry Variant Classification Scheme 2023. Collection method: clinical testing. Allele origin: germline.

GeneDx
Classification: Likely benign. Last evaluated: 2021-04-07. Review status: criteria provided, single submitter. Criteria: GeneDx Variant Classification Process June 2021. Collection method: clinical testing. Allele origin: germline. Affected: yes.
Comment: Has not been previously published as pathogenic or benign to our knowledge

New York Genome Center
Classification: Uncertain significance for Schuurs-Hoeijmakers syndrome. Last evaluated: 2020-06-26. Review status: criteria provided, single submitter. Criteria: NYGC Assertion Criteria 2020. Collection method: clinical testing. Allele origin: inherited. Observed: 1 heterozygote. Study: CSER-NYCKidSeq.